The following is an entry in ClinVar:

ClinVar aggregate classification (germline): Uncertain significance (1 of 4 stars; one submission).

Conditions:
Cardiovascular phenotype. Identifiers: MedGen CN230736.
Hereditary cancer-predisposing syndrome. Also called: Neoplastic Syndromes, Hereditary; Tumor predisposition; Hereditary Cancer Syndrome; Hereditary neoplastic syndrome. Identifiers: Orphanet 140162, MedGen C0027672, MeSH D009386, MONDO:0015356.

Submission:

Ambry Genetics
Classification: Uncertain significance for Cardiovascular phenotype; Hereditary cancer-predisposing syndrome. Last evaluated: 2016-04-29. Review status: criteria provided, single submitter. Criteria: Ambry Variant Classification Scheme 2023. Collection method: clinical testing. Allele origin: germline.
Comment: The c.2326-5T>C intronic variant results from a T to C substitution 5 nucleotides upstream from coding exon 20 in the NF1 gene. This variant was not reported in population based cohorts in the following databases: Database of Single Nucleotide Polymorphisms (dbSNP), NHLBI Exome Sequencing Project (ESP), and 1000 Genomes Project. In the ESP, this variant was not observed in 6503 samples (13006 alleles) with coverage at this position. To date, this alteration has been detected with an allele frequency of approximately 0.001% (greater than 110000 alleles tested) in our clinical cohort. This nucleotide position is highly conserved in available vertebrate species. Using the BDGP and ESEfinder splice site prediction tools, this alteration is not predicted to have any significant effect on the native splice acceptor site; however, direct evidence is unavailable. Since supporting evidence is limited at this time, the clinical significance of this alteration remains unclear.

NM_001042492.3(NF1):c.2326-5T>C

Gene: NF1 (neurofibromin 1; plus strand). Cytogenetic location: 17q11.2.
Variant type: single nucleotide variant.
Coding change: c.2326-5T>C on transcript NM_001042492.3 (MANE Select); 5 bases into the intron before coding-DNA position 2326, T replaced by C.
Molecular consequence: intron variant.
Genome position (GRCh38, 1-based): chr17:31,227,518, T>C. VCF-style: chr17-31227518-T-C. GRCh37 (hg19) VCF-style: chr17-29554536-T-C.
Other names: c.2326-5T>C (NM_000267.4).
Identifiers: ClinVar variation 484032 (VCV000484032.5), dbSNP rs1131691086, ClinGen allele CA658656612.